The following is an entry in ClinVar:

NM_000169.3(GLA):c.280T>A (p.Cys94Ser)

Genes: GLA (galactosidase alpha; minus strand), RPL36A-HNRNPH2 (RPL36A-HNRNPH2 readthrough; plus strand). Cytogenetic location: Xq22.1.
Variant type: single nucleotide variant.
Coding change: c.280T>A on transcript NM_000169.3 (MANE Select); coding-DNA position 280, T replaced by A.
Protein change: p.Cys94Ser; replaces cysteine 94 with serine.
Molecular consequence: missense variant. On other transcripts: non-coding transcript variant (3), intron variant (2).
Genome position (GRCh38, 1-based): chrX:101,403,900, A>T on the plus strand (T>A on the coding strand, the complement: GLA is on the minus strand). VCF-style: chrX-101403900-A-T. GRCh37 (hg19) VCF-style: chrX-100658888-A-T.
Other names: c.403T>A, p.Cys135Ser (NM_001406747.1, NM_001406749.1); c.280T>A, p.Cys94Ser (NM_001406748.1); c.301-8036A>T (NM_001199973.2); c.178-8036A>T (NM_001199974.2); short protein forms C94S, C135S.
Identifiers: ClinVar variation 1064718 (VCV001064718.4), dbSNP rs2147480697, ClinGen allele CA413933715.

ClinVar aggregate classification (germline): Pathogenic/Likely pathogenic. Review status: criteria provided, multiple submitters, no conflicts (2 of 4 stars). 2 submissions from 2 submitters: Pathogenic (1); Likely pathogenic (1). Last evaluated 2026-09-08.

Conditions:
Fabry disease. Also called: Fabry's disease; Angiokeratoma corporis diffusum; GLA DEFICIENCY; HEREDITARY DYSTOPIC LIPIDOSIS; ALPHA-GALACTOSIDASE A DEFICIENCY; ANDERSON-FABRY DISEASE. Identifiers: Orphanet 324, MedGen C0002986, MONDO:0010526, OMIM 301500, HP:0001071. Disease mechanism: loss of function, Fabry disease is due to inactivating mutations in the X-linked GLA gene resulting in deficiency of the enzyme Alpha Galactosidase-A..

Submissions (2):

Genomenon, Inc
Classification: Pathogenic for Fabry disease. Last evaluated: 2026-09-08. Review status: criteria provided, single submitter. Criteria: Genomenon Sequence Variant Interpretation Standards - Updated. Collection method: curation. Allele origin: germline. Affected: yes.
Comment: GLA p.Cys94Ser (c.280T>A) is a missense variant that changes the amino acid at codon 94 from Cysteine to Serine. This variant has been observed in at least one proband with clinical features consistent with Fabry disease (PMID:28988177). The variant was found to segregate with disease in at least one affected family (PMID:28988177). At least one functional study has demonstrated a substantial alteration in protein function relative to the wild-type (PMID:32023956;21598360;26415523;27657681). This variant is located in a mutational hotspot and/or important functional domain. It is absent or not present at a significant frequency in gnomAD. In silico models predict that this variant is possibly or probably damaging. In conclusion, we classify GLA p.Cys94Ser (c.280T>A) as a pathogenic variant.

CeMIA
Classification: Likely pathogenic for Fabry disease. Review status: criteria provided, single submitter. Criteria: ACMG Guidelines, 2015. Collection method: clinical testing. Allele origin: germline. Affected: yes. Observed: 4 variant alleles.
Comment: The c.280T>A (p.Cys94Ser) variant, located in exon 2 of the GLA gene, has been previously reported in association with Fabry didease in the literature (PMID:26415523, 11668641). It was detected by our laboratory in four members of a greek family affected with Fabry disease. Bioinformatic analysis by SIFT and PolyPhen2 algorithms predicted this mutation as deleterious and probably damaging, respectively. The variant was not detected amongst the 31360 individuals of the Genome Aggregation Database (gnomAD), indicating that it is not a common variant. Missense variants in the same residue have been previously reported in association with Fabry disease (PMID: 9100224, 26415523). Taking all the above into account and according to ACMG Guidelines (Criteria: PM1, PM2, PM5, PP1, PP2, PP3, PP4, PP5) the variant is considered likely pathogenic.

Literature cited by the submitters: PubMed 28988177 (cited by Genomenon, Inc and CeMIA); PubMed 32023956 (cited by Genomenon, Inc); PubMed 21598360 (cited by Genomenon, Inc); PubMed 26415523 (cited by Genomenon, Inc); PubMed 27657681 (cited by Genomenon, Inc).